The following is an entry in ClinVar:

NM_001365276.2(TNXB):c.8186A>C (p.Glu2729Ala)

Gene: TNXB (tenascin XB; minus strand). Cytogenetic location: 6p21.33.
Variant type: single nucleotide variant.
Coding change: c.8186A>C on transcript NM_001365276.2 (MANE Select); coding-DNA position 8186, A replaced by C.
Protein change: p.Glu2729Ala; replaces glutamic acid 2729 with alanine.
Molecular consequence: missense variant.
Genome position (GRCh38, 1-based): chr6:32,056,132, T>G on the plus strand (A>C on the coding strand, the complement: TNXB is on the minus strand). VCF-style: chr6-32056132-T-G. GRCh37 (hg19) VCF-style: chr6-32023909-T-G.
Other names: c.8927A>C, p.Glu2976Ala (NM_001428335.1); c.8186A>C, p.Glu2729Ala (NM_019105.8); short protein forms E2729A, E2976A.
Identifiers: ClinVar variation 3180933 (VCV003180933.2), dbSNP rs749055881, ClinGen allele CA363549548.
Genomic context (GRCh38, chr6:32,056,132, plus strand): 5'-GGGGAGGATCCTGTCACTGTCAGCTCCCCCAGGAGCGGCTCCTCAGGGGGCTCCGGGGCC[T>G]CAGTGCTGAGTTCCGTGGGGCTGGGGGTCTCTTCCTCTGCAGCTGAGAAAAGGAGATATA-3'
Protein context (NP_001352205.1, residues 2719-2739): ETPSPTELST[Glu2729Ala]APEPPEEPLL

ClinVar aggregate classification (germline): Uncertain significance (1 of 4 stars; one submission).

Conditions:
Cardiovascular phenotype. Identifiers: MedGen CN230736.

Submission:

Ambry Genetics
Classification: Uncertain significance for Cardiovascular phenotype. Last evaluated: 2025-10-23. Review status: criteria provided, single submitter. Criteria: Ambry Variant Classification Scheme 2023. Collection method: clinical testing. Allele origin: germline.
Comment: The p.E2729A variant (also known as c.8186A>C), located in coding exon 23 of the TNXB gene, results from an A to C substitution at nucleotide position 8186. The glutamic acid at codon 2729 is replaced by alanine, an amino acid with dissimilar properties. This amino acid position is conserved. In addition, this alteration is predicted to be tolerated by in silico analysis. Based on the available evidence, the clinical significance of this variant remains unclear.